The following is an entry in ClinVar:

NM_138927.4(SON):c.6469-3dup

Gene: SON (SON DNA and RNA binding protein; plus strand). Cytogenetic location: 21q22.11.
Variant type: Duplication.
Coding change: c.6469-3dup on transcript NM_138927.4 (MANE Select); 3 bases into the intron before coding-DNA position 6469, one base duplicated (T; older notation c.6469-3dupT).
Molecular consequence: intron variant.
Genome position (GRCh38, 1-based): chr21:33,559,584, T duplicated; the last of 6 consecutive T bases (chr21:33,559,579-33,559,584); duplicating any one gives the same sequence. VCF-style (leftmost placement, unchanged base first): chr21-33559578-A-AT. GRCh37 (hg19) VCF-style: chr21-34931884-A-AT.
Other names: c.553-3dup (NM_001291412.3); c.6469-3dup (NM_032195.3).
Identifiers: ClinVar variation 3047075 (VCV003047075.2), dbSNP rs765754719, ClinGen allele CA10009951.

ClinVar aggregate classification (germline): Likely benign (0 of 4 stars; one submission).

Conditions:
SON-related disorder. Also called: SON-related condition.

Submission:

PreventionGenetics, part of Exact Sciences
Classification: Likely benign for SON-related condition. Last evaluated: 2023-11-22. Review status: no assertion criteria provided. Collection method: clinical testing. Allele origin: germline.
Comment: This variant is classified as likely benign based on ACMG/AMP sequence variant interpretation guidelines (Richards et al. 2015 PMID: 25741868, with internal and published modifications).